The following is an entry in ClinVar:

NM_016247.4(IMPG2):c.3423-19_3423-18inv

Gene: IMPG2 (interphotoreceptor matrix proteoglycan 2; minus strand). Cytogenetic location: 3q12.3.
Variant type: Inversion.
Coding change: c.3423-19_3423-18inv on transcript NM_016247.4 (MANE Select).
Molecular consequence: intron variant.
Genome position: GRCh38 VCF-style: chr3-101229608-TG-CA. GRCh37 (hg19) VCF-style: chr3-100948452-TG-CA.
Identifiers: ClinVar variation 1995523 (VCV001995523.4), ClinGen allele CA2580068555.

ClinVar aggregate classification (germline): Uncertain significance (1 of 4 stars; one submission).

Submission:

Labcorp Genetics (formerly Invitae), Labcorp
Classification: Uncertain significance. Last evaluated: 2022-05-27. Review status: criteria provided, single submitter. Criteria: Invitae Variant Classification Sherloc (09022015). Collection method: clinical testing. Allele origin: germline.
Comment: In summary, the available evidence is currently insufficient to determine the role of this variant in disease. Therefore, it has been classified as a Variant of Uncertain Significance. This sequence change falls in intron 16 of the IMPG2 gene. It does not directly change the encoded amino acid sequence of the IMPG2 protein. Information on the frequency of this variant in the gnomAD database is not available, as this variant may be reported differently in the database. This variant has not been reported in the literature in individuals affected with IMPG2-related conditions. Experimental studies and prediction algorithms are not available or were not evaluated, and the effect of this variant on mRNA splicing is currently unknown.